The following is an entry in ClinVar:

ClinVar aggregate classification (germline): Likely benign. Review status: criteria provided, multiple submitters, no conflicts (2 of 4 stars). 3 submissions from 3 submitters: Likely benign (2). 1 of the submissions does not count toward it. Last evaluated 2025-12-06.

Conditions:
Retinoblastoma (RB1). Also called: RETINOBLASTOMA, SOMATIC. Identifiers: Orphanet 790, MedGen C0035335, MeSH D012175, MONDO:0008380, OMIM 180200, HP:0009919. Disease mechanism: loss of function. Inheritance: Both sporadic and heritable forms are tested..
RB1-related disorder. Also called: RB1-related condition.

Submissions (3):

Labcorp Genetics (formerly Invitae), Labcorp
Classification: Likely benign for Retinoblastoma. Last evaluated: 2025-12-06. Review status: criteria provided, single submitter. Criteria: Invitae Variant Classification Sherloc (09022015). Collection method: clinical testing. Allele origin: germline.

Blueprint Genetics
Classification: Likely benign. Last evaluated: 2024-11-14. Review status: criteria provided, single submitter. Criteria: ACMG Guidelines, 2015. Collection method: clinical testing. Allele origin: germline.

PreventionGenetics, part of Exact Sciences
Classification: Likely benign for RB1-related condition. Last evaluated: 2022-10-19. Review status: no assertion criteria provided. Collection method: clinical testing. Allele origin: germline. Not counted in ClinVar's aggregate classification.
Comment: This variant is classified as likely benign based on ACMG/AMP sequence variant interpretation guidelines (Richards et al. 2015 PMID: 25741868, with internal and published modifications).

NM_000321.3(RB1):c.2212-14C>A

Gene: RB1 (RB transcriptional corepressor 1; plus strand). Cytogenetic location: 13q14.2.
Variant type: single nucleotide variant.
Coding change: c.2212-14C>A on transcript NM_000321.3 (MANE Select); 14 bases into the intron before coding-DNA position 2212, C replaced by A.
Molecular consequence: intron variant.
Genome position (GRCh38, 1-based): chr13:48,464,984, C>A. VCF-style: chr13-48464984-C-A. GRCh37 (hg19) VCF-style: chr13-49039120-C-A.
Other names: c.2212-14C>A (NM_000321.2).
Identifiers: ClinVar variation 2074691 (VCV002074691.7), dbSNP rs80122842, ClinGen allele CA955793853.